The following is an entry in ClinVar:

ClinVar aggregate classification (germline): Uncertain significance (1 of 4 stars; one submission).

gnomAD v4.1: 40 of 1,614,092 alleles (0.0025%); highest among the groups gnomAD compares: Non-Finnish European, 0.0032%; no homozygotes.

Submission:

Labcorp Genetics (formerly Invitae), Labcorp
Classification: Uncertain significance. Last evaluated: 2025-06-22. Review status: criteria provided, single submitter. Criteria: Invitae Variant Classification Sherloc (09022015). Collection method: clinical testing. Allele origin: germline.
Comment: This sequence change replaces tryptophan, which is neutral and slightly polar, with arginine, which is basic and polar, at codon 314 of the ASAH1 protein (p.Trp314Arg). This variant is present in population databases (rs150585094, gnomAD 0.002%). This variant has not been reported in the literature in individuals affected with ASAH1-related conditions. Invitae Evidence Modeling of protein sequence and biophysical properties (such as structural, functional, and spatial information, amino acid conservation, physicochemical variation, residue mobility, and thermodynamic stability) indicates that this missense variant is expected to disrupt ASAH1 protein function with a positive predictive value of 80%. In summary, the available evidence is currently insufficient to determine the role of this variant in disease. Therefore, it has been classified as a Variant of Uncertain Significance.

NM_177924.5(ASAH1):c.940T>C (p.Trp314Arg)

Gene: ASAH1 (N-acylsphingosine amidohydrolase 1; minus strand). Cytogenetic location: 8p22.
Variant type: single nucleotide variant.
Coding change: c.940T>C on transcript NM_177924.5 (MANE Select); coding-DNA position 940, T replaced by C.
Protein change: p.Trp314Arg; replaces tryptophan 314 with arginine.
Molecular consequence: missense variant. On other transcripts: non-coding transcript variant (1).
Genome position (GRCh38, 1-based): chr8:18,059,442, A>G on the plus strand (T>C on the coding strand, the complement: ASAH1 is on the minus strand). VCF-style: chr8-18059442-A-G. GRCh37 (hg19) VCF-style: chr8-17916951-A-G.
Other names: c.922T>C, p.Trp308Arg (NM_001127505.3); c.745T>C, p.Trp249Arg (NM_001363743.2); c.988T>C, p.Trp330Arg (NM_004315.6); short protein forms W308R, W314R, W249R, W330R.
Identifiers: ClinVar variation 4719621 (VCV004719621.1).
Genomic context (GRCh38, chr8:18,059,442, plus strand): 5'-TGCGATCATCAAGGAAGAAGGGATGTTTCCAACGGTCATAATTTGTTTGTACCACATACC[A>G]TCTACCCTGCTTAGCATCGAGTCTAGATACAAAAGGAGAGATTCCCTCTTAGGCTACATG-3'
Protein context (NP_808592.2, residues 304-324): VYELDAKQGR[Trp314Arg]YVVQTNYDRW